The following is an entry in ClinVar:

ClinVar aggregate classification (germline): Uncertain significance (1 of 4 stars; one submission).

Conditions:
Multiple endocrine neoplasia, type 1 (MEN1). Also called: MEN I; WERMER SYNDROME; Endocrine adenomatosis multiple; MEN 1; MEA I. Identifiers: Orphanet 652, MedGen C0025267, MeSH D018761, MONDO:0007540, OMIM 131100.

Submission:

Labcorp Genetics (formerly Invitae), Labcorp
Classification: Uncertain significance for Multiple endocrine neoplasia, type 1. Last evaluated: 2023-07-22. Review status: criteria provided, single submitter. Criteria: Invitae Variant Classification Sherloc (09022015). Collection method: clinical testing. Allele origin: germline.
Comment: In summary, the available evidence is currently insufficient to determine the role of this variant in disease. Therefore, it has been classified as a Variant of Uncertain Significance. Advanced modeling of protein sequence and biophysical properties (such as structural, functional, and spatial information, amino acid conservation, physicochemical variation, residue mobility, and thermodynamic stability) performed at Invitae indicates that this missense variant is not expected to disrupt MEN1 protein function. This variant has not been reported in the literature in individuals affected with MEN1-related conditions. This variant is not present in population databases (gnomAD no frequency). This sequence change replaces glycine, which is neutral and non-polar, with arginine, which is basic and polar, at codon 513 of the MEN1 protein (p.Gly513Arg).

NM_001370259.2(MEN1):c.1537G>C (p.Gly513Arg)

Gene: MEN1 (menin 1; minus strand). Cytogenetic location: 11q13.1.
Variant type: single nucleotide variant.
Coding change: c.1537G>C on transcript NM_001370259.2 (MANE Select); coding-DNA position 1537, G replaced by C.
Protein change: p.Gly513Arg; replaces glycine 513 with arginine.
Molecular consequence: missense variant. On other transcripts: non-coding transcript variant (4).
Genome position (GRCh38, 1-based): chr11:64,804,630, C>G on the plus strand (G>C on the coding strand, the complement: MEN1 is on the minus strand). VCF-style: chr11-64804630-C-G. GRCh37 (hg19) VCF-style: chr11-64572102-C-G.
Other names: c.1537G>C, p.Gly513Arg (NM_001370260.2, NM_001370261.2, NM_001407146.1 and 2 more transcripts); c.1432G>C, p.Gly478Arg (NM_001370262.2, NM_001370263.2, NM_001407148.1 and 1 more transcripts); c.1663G>C, p.Gly555Arg (NM_001407142.1, NM_001407143.1, NM_001407144.1 and 1 more transcripts); c.1552G>C, p.Gly518Arg (NM_001407145.1, NM_130802.3, NM_130803.3 and 4 more transcripts); c.1678G>C, p.Gly560Arg (NM_001407150.1); c.1558G>C, p.Gly520Arg (NM_001407151.1); c.1372G>C, p.Gly458Arg (NM_001407152.1); short protein forms G458R, G555R, G560R, G478R, G513R, G518R, G520R.
Identifiers: ClinVar variation 2745944 (VCV002745944.3), dbSNP rs2497115969, ClinGen allele CA381178610.